The following is an entry in ClinVar:

NM_001358438.1(KLF18):c.1599A>G (p.Thr533=)

Gene: KLF18 (KLF transcription factor 18; minus strand). Cytogenetic location: 1p34.1.
Variant type: single nucleotide variant.
Coding change: c.1599A>G on transcript NM_001358438.1 (MANE Select); coding-DNA position 1599, A replaced by G.
Protein change: p.Thr533=; no amino-acid change (threonine 533 retained).
Molecular consequence: synonymous variant.
Genome position (GRCh38, 1-based): chr1:44,140,033, T>C on the plus strand (A>G on the coding strand, the complement: KLF18 is on the minus strand). VCF-style: chr1-44140033-T-C. GRCh37 (hg19) VCF-style: chr1-44605705-T-C.
Identifiers: ClinVar variation 2638769 (VCV002638769.24), dbSNP rs376727707, ClinGen allele CA21690163.

ClinVar aggregate classification (germline): Likely benign (1 of 4 stars; one submission).

Allele frequency attached by ClinVar (database versions not stated): gnomAD 0.00231.

Submission:

CeGaT Center for Human Genetics Tuebingen
Classification: Likely benign. Last evaluated: 2023-02-01. Review status: criteria provided, single submitter. Criteria: CeGaT Center For Human Genetics Tuebingen Variant Classification Criteria Version 2. Collection method: clinical testing. Allele origin: germline. Affected: yes. Observed: 1 variant allele.
Comment: KLF18: BP4, BP7